The following is an entry in ClinVar:

ClinVar aggregate classification (germline): Likely pathogenic (1 of 4 stars; one submission).

Submission:

Labcorp Genetics (formerly Invitae), Labcorp
Classification: Likely pathogenic. Last evaluated: 2024-12-16. Review status: criteria provided, single submitter. Criteria: Invitae Variant Classification Sherloc (09022015). Collection method: clinical testing. Allele origin: germline.
Comment: This sequence change affects an acceptor splice site in intron 16 of the LRPPRC gene. It is expected to disrupt RNA splicing. Variants that disrupt the donor or acceptor splice site typically lead to a loss of protein function (PMID: 16199547), and loss-of-function variants in LRPPRC are known to be pathogenic (PMID: 26510951). This variant is not present in population databases (gnomAD no frequency). This variant has not been reported in the literature in individuals affected with LRPPRC-related conditions. ClinVar contains an entry for this variant (Variation ID: 2808001). Algorithms developed to predict the effect of sequence changes on RNA splicing suggest that this variant may disrupt the consensus splice site. In summary, the currently available evidence indicates that the variant is pathogenic, but additional data are needed to prove that conclusively. Therefore, this variant has been classified as Likely Pathogenic.

Literature cited by the submitters: PubMed 16199547; PubMed 26510951.

NM_133259.4(LRPPRC):c.1736-2A>T

Gene: LRPPRC (leucine rich pentatricopeptide repeat containing; minus strand). Cytogenetic location: 2p21.
Variant type: single nucleotide variant.
Coding change: c.1736-2A>T on transcript NM_133259.4 (MANE Select); the canonical splice acceptor site of the intron before coding-DNA position 1736, A replaced by T.
Molecular consequence: splice acceptor variant.
Genome position (GRCh38, 1-based): chr2:43,948,520, T>A on the plus strand (A>T on the coding strand, the complement: LRPPRC is on the minus strand). VCF-style: chr2-43948520-T-A. GRCh37 (hg19) VCF-style: chr2-44175659-T-A.
Identifiers: ClinVar variation 2808001 (VCV002808001.3), dbSNP rs2466575847, ClinGen allele CA346676735.